The following is an entry in ClinVar:

ClinVar aggregate classification (germline): Uncertain significance (1 of 4 stars; one submission).

Conditions:
Ataxia-telangiectasia syndrome (AT). Also called: LOUIS-BAR SYNDROME; Cerebello-oculocutaneous telangiectasia; Immunodeficiency with ataxia telangiectasia; Ataxia telangiectasia (A-T); Ataxia-telangiectasia, complementation group D; AT, COMPLEMENTATION GROUP C. Identifiers: Orphanet 100, MedGen C0004135, MONDO:0008840, OMIM 208900.

Submission:

Labcorp Genetics (formerly Invitae), Labcorp
Classification: Uncertain significance for Ataxia-telangiectasia syndrome. Last evaluated: 2021-04-14. Review status: criteria provided, single submitter. Criteria: Invitae Variant Classification Sherloc (09022015). Collection method: clinical testing. Allele origin: germline.
Comment: In summary, the available evidence is currently insufficient to determine the role of this variant in disease. Therefore, it has been classified as a Variant of Uncertain Significance. Nucleotide substitutions within the consensus splice site are a relatively common cause of aberrant splicing (PMID: 17576681, 9536098). Algorithms developed to predict the effect of sequence changes on RNA splicing suggest that this variant is not likely to affect RNA splicing, but this prediction has not been confirmed by published transcriptional studies. This variant has not been reported in the literature in individuals with ATM-related conditions. This variant is not present in population databases (ExAC no frequency). This sequence change falls in intron 50 of the ATM gene. It does not directly change the encoded amino acid sequence of the ATM protein. It affects a nucleotide within the consensus splice site of the intron.

Literature cited by the submitters: PubMed 17576681; PubMed 9536098.

NM_000051.4(ATM):c.7515+5_7515+7del

Genes: C11orf65 (chromosome 11 open reading frame 65; minus strand), ATM (ATM serine/threonine kinase; plus strand). Cytogenetic location: 11q22.3.
Variant type: Deletion.
Coding change: c.7515+5_7515+7del on transcript NM_000051.4 (MANE Select); bases 5 to 7 of the intron after coding-DNA position 7515, 3 bases deleted (GTG; older notation c.7515+5_7515+7delGTG).
Molecular consequence: intron variant.
Genome position (GRCh38, 1-based): chr11:108,330,426-108,330,428, GTG deleted. VCF-style (leftmost placement, unchanged base first): chr11-108330425-AGTG-A. GRCh37 (hg19) VCF-style: chr11-108201152-AGTG-A.
Other names: c.7515+5_7515+7del (NM_001351834.2); c.641-21357_641-21355del (NM_001330368.2); c.*38+4792_*38+4794del (NM_001351110.2).
Identifiers: ClinVar variation 1461825 (VCV001461825.6), dbSNP rs2136465391, ClinGen allele CA2573146702.